The following is an entry in ClinVar:

NM_001852.4(COL9A2):c.1603+1G>A

Gene: COL9A2 (collagen type IX alpha 2 chain; minus strand). Cytogenetic location: 1p34.2.
Variant type: single nucleotide variant.
Coding change: c.1603+1G>A on transcript NM_001852.4 (MANE Select); the canonical splice donor site of the intron after coding-DNA position 1603, G replaced by A.
Molecular consequence: splice donor variant.
Genome position (GRCh38, 1-based): chr1:40,303,130, C>T on the plus strand (G>A on the coding strand, the complement: COL9A2 is on the minus strand). VCF-style: chr1-40303130-C-T. GRCh37 (hg19) VCF-style: chr1-40768802-C-T.
Identifiers: ClinVar variation 1200814 (VCV001200814.11), dbSNP rs1322708706, ClinGen allele CA339877247.

ClinVar aggregate classification (germline): Conflicting classifications of pathogenicity. Review status: criteria provided, conflicting classifications (1 of 4 stars). 2 submissions from 2 submitters: Likely pathogenic (1); Uncertain significance (1). Last evaluated 2025-07-03.

Allele frequency attached by ClinVar (database versions not stated): gnomAD exomes 0.00001; TOPMed 0.00001; gnomAD 0.00001.
gnomAD v4.1: 8 of 1,612,400 alleles (0.0005%); highest among the groups gnomAD compares: Non-Finnish European, 0.00068%; no homozygotes.

Submissions (2):

Labcorp Genetics (formerly Invitae), Labcorp
Classification: Uncertain significance. Last evaluated: 2025-07-03. Review status: criteria provided, single submitter. Criteria: Invitae Variant Classification Sherloc (09022015). Collection method: clinical testing. Allele origin: germline.
Comment: This sequence change affects a donor splice site in intron 29 of the COL9A2 gene. It is expected to disrupt RNA splicing. Variants that disrupt the donor or acceptor splice site typically lead to a loss of protein function (PMID: 16199547), however the current clinical and genetic evidence is not sufficient to establish whether loss-of-function variants in COL9A2 cause disease. This variant is present in population databases (no rsID available, gnomAD 0.003%). This variant has not been reported in the literature in individuals affected with COL9A2-related conditions. ClinVar contains an entry for this variant (Variation ID: 1200814). Algorithms developed to predict the effect of sequence changes on RNA splicing suggest that this variant may disrupt the consensus splice site. In summary, the available evidence is currently insufficient to determine the role of this variant in disease. Therefore, it has been classified as a Variant of Uncertain Significance.

GeneDx
Classification: Likely pathogenic. Last evaluated: 2023-01-10. Review status: criteria provided, single submitter. Criteria: GeneDx Variant Classification Process June 2021. Collection method: clinical testing. Allele origin: germline. Affected: yes.
Comment: Has not been previously published as pathogenic or benign to our knowledge; Not observed at significant frequency in large population cohorts (gnomAD); Canonical splice site variant predicted to result in a null allele in a gene for which loss of function is a known mechanism of disease

Literature cited by the submitters: PubMed 16199547 (cited by Labcorp Genetics (formerly Invitae), Labcorp).